The following is an entry in ClinVar:

NM_138713.4(NFAT5):c.2360G>A (p.Ser787Asn)

Gene: NFAT5 (nuclear factor of activated T cells 5; plus strand). Cytogenetic location: 16q22.1.
Variant type: single nucleotide variant.
Coding change: c.2360G>A on transcript NM_138713.4 (MANE Select); coding-DNA position 2360, G replaced by A.
Protein change: p.Ser787Asn; replaces serine 787 with asparagine.
Molecular consequence: missense variant.
Genome position (GRCh38, 1-based): chr16:69,692,185, G>A. VCF-style: chr16-69692185-G-A. GRCh37 (hg19) VCF-style: chr16-69726088-G-A.
Other names: c.2357G>A, p.Ser786Asn (NM_001113178.3); c.1685G>A, p.Ser562Asn (NM_001367709.1); c.2306G>A, p.Ser769Asn (NM_006599.4); c.2078G>A, p.Ser693Asn (NM_138714.4, NM_173214.3, NM_173215.3); short protein forms S786N, S787N, S769N, S562N, S693N.
Identifiers: ClinVar variation 2810235 (VCV002810235.3), dbSNP rs1328674662, ClinGen allele CA396508781.

ClinVar aggregate classification (germline): Uncertain significance (1 of 4 stars; one submission).

Conditions:
Immunodeficiency. Identifiers: MedGen C0021051, MONDO:0021094, HP:0002721.

Allele frequency attached by ClinVar (database versions not stated): gnomAD 0.00001.
gnomAD v4.1: 1 of 1,614,072 alleles (0.000062%); highest among the groups gnomAD compares: East Asian, 0.0022%; no homozygotes.

Submission:

Labcorp Genetics (formerly Invitae), Labcorp
Classification: Uncertain significance for Immunodeficiency. Last evaluated: 2023-05-01. Review status: criteria provided, single submitter. Criteria: Invitae Variant Classification Sherloc (09022015). Collection method: clinical testing. Allele origin: germline.
Comment: This variant has not been reported in the literature in individuals affected with NFAT5-related conditions. An algorithm developed to predict the effect of missense changes on protein structure and function (PolyPhen-2) suggests that this variant is likely to be tolerated. In summary, the available evidence is currently insufficient to determine the role of this variant in disease. Therefore, it has been classified as a Variant of Uncertain Significance. This variant is present in population databases (no rsID available, gnomAD 0.06%). This sequence change replaces serine, which is neutral and polar, with asparagine, which is neutral and polar, at codon 693 of the NFAT5 protein (p.Ser693Asn).